The following is an entry in ClinVar:

ClinVar aggregate classification (germline): Likely benign (1 of 4 stars; one submission).

Conditions:
Growth delay due to insulin-like growth factor I resistance. Also called: Somatomedin end-organ insensitivity to; Somatomedin-c resistance to; IGF-1 resistance; IGF-I RESISTANCE; Insulin-Like Growth Factor I Resistance. Identifiers: Orphanet 73273, MedGen C1849157, MONDO:0010038, OMIM 270450.

Allele frequency attached by ClinVar (database versions not stated): 1000 Genomes Project 30x 0.00156; ESP Exome Variant Server 0.00171; 1000 Genomes Project 0.00180; TOPMed 0.00217; gnomAD 0.00227 and 0.00237; gnomAD exomes 0.00266 and 0.00294; ExAC 0.00303.
gnomAD v4.1: 4,627 of 1,610,478 alleles (0.29%); highest among the groups gnomAD compares: Non-Finnish European, 0.34%; 19 homozygotes.

Submission:

Illumina Laboratory Services, Illumina
Classification: Likely benign for Growth delay due to insulin-like growth factor I resistance. Last evaluated: 2018-01-13. Review status: criteria provided, single submitter. Criteria: ICSL Variant Classification Criteria 13 December 2019. Collection method: clinical testing. Allele origin: germline.
Comment: This variant was observed in the ICSL laboratory as part of a predisposition screen in an ostensibly healthy population. It had not been previously curated by ICSL or reported in the Human Gene Mutation Database (HGMD: prior to June 1st, 2018), and was therefore a candidate for classification through an automated scoring system. Utilizing variant allele frequency, disease prevalence and penetrance estimates, and inheritance mode, an automated score was calculated to assess if this variant is too frequent to cause the disease. Based on the score and internal cut-off values, a variant classified as likely benign is not then subjected to further curation. The score for this variant resulted in a classification of likely benign for this disease.

NM_000875.5(IGF1R):c.*43G>A

Gene: IGF1R (insulin like growth factor 1 receptor; plus strand). Cytogenetic location: 15q26.3.
Variant type: single nucleotide variant.
Coding change: c.*43G>A on transcript NM_000875.5 (MANE Select); 43 bases downstream of the stop codon, G replaced by A.
Molecular consequence: 3 prime UTR variant.
Genome position (GRCh38, 1-based): chr15:98,957,485, G>A. VCF-style: chr15-98957485-G-A. GRCh37 (hg19) VCF-style: chr15-99500714-G-A.
Other names: c.*43G>A (NM_001291858.2).
Identifiers: ClinVar variation 317465 (VCV000317465.5), dbSNP rs56403719, ClinGen allele CA7752914.